The following is an entry in ClinVar:

ClinVar aggregate classification (germline): Uncertain significance (1 of 4 stars; one submission).

Conditions:
Inborn genetic diseases. Identifiers: MedGen C0950123, MeSH D030342.

Submission:

Ambry Genetics
Classification: Uncertain significance for Inborn genetic diseases. Last evaluated: 2024-07-13. Review status: criteria provided, single submitter. Criteria: Ambry Variant Classification Scheme 2023. Collection method: clinical testing. Allele origin: germline.
Comment: The p.V129I variant (also known as c.385G>A), located in coding exon 4 of the LRRK2 gene, results from a G to A substitution at nucleotide position 385. The valine at codon 129 is replaced by isoleucine, an amino acid with highly similar properties. This amino acid position is conserved. In addition, this alteration is predicted to be tolerated by in silico analysis. Since supporting evidence is limited at this time, the clinical significance of this alteration remains unclear.

NM_198578.4(LRRK2):c.385G>A (p.Val129Ile)

Gene: LRRK2 (leucine rich repeat kinase 2; plus strand). Cytogenetic location: 12q12.
Variant type: single nucleotide variant.
Coding change: c.385G>A on transcript NM_198578.4 (MANE Select); coding-DNA position 385, G replaced by A.
Protein change: p.Val129Ile; replaces valine 129 with isoleucine.
Molecular consequence: missense variant.
Genome position (GRCh38, 1-based): chr12:40,235,663, G>A. VCF-style: chr12-40235663-G-A. GRCh37 (hg19) VCF-style: chr12-40629465-G-A.
Other names: short protein forms V129I.
Identifiers: ClinVar variation 1735596 (VCV001735596.3), dbSNP rs2499403145, ClinGen allele CA384402796.